The following is an entry in ClinVar:

NM_001128178.3(NPHP1):c.1716+10A>G

Gene: NPHP1 (nephrocystin 1; minus strand). Cytogenetic location: 2q13.
Variant type: single nucleotide variant.
Coding change: c.1716+10A>G on transcript NM_001128178.3 (MANE Select); 10 bases into the intron after coding-DNA position 1716, A replaced by G.
Molecular consequence: intron variant.
Genome position (GRCh38, 1-based): chr2:110,129,176, T>C on the plus strand (A>G on the coding strand, the complement: NPHP1 is on the minus strand). VCF-style: chr2-110129176-T-C. GRCh37 (hg19) VCF-style: chr2-110886753-T-C.
Other names: c.1527+10A>G (NM_001128179.3); c.1713+10A>G (NM_001374256.1); c.1716+10A>G (NM_001374257.1); c.1881+10A>G (NM_207181.4); c.1884+10A>G (NM_000272.5, NM_000272.3).
Identifiers: ClinVar variation 2796499 (VCV002796499.5), dbSNP rs1166643542, ClinGen allele CA535158853.

ClinVar aggregate classification (germline): Likely benign. Review status: criteria provided, single submitter (1 of 4 stars). 2 submissions from 2 submitters: Likely benign (1). 1 of the submissions does not count toward it. Last evaluated 2023-11-20.

Conditions:
NPHP1-related disorder. Also called: NPHP1-related condition; NPHP1-related disorders.
Nephronophthisis. Also called: Juvenile Nephronophthisis. Identifiers: Orphanet 655, MedGen C0687120, MONDO:0019005, HP:0000090.

Allele frequency attached by ClinVar (database versions not stated): gnomAD 0.00001; TOPMed 0.00001.
gnomAD v4.1: 1 of 1,608,900 alleles (0.000062%); highest among the groups gnomAD compares: Non-Finnish European, 0.000085%; no homozygotes.

Submissions (2):

Labcorp Genetics (formerly Invitae), Labcorp
Classification: Likely benign for Nephronophthisis. Last evaluated: 2023-11-20. Review status: criteria provided, single submitter. Criteria: Invitae Variant Classification Sherloc (09022015). Collection method: clinical testing. Allele origin: germline.

PreventionGenetics, part of Exact Sciences
Classification: Likely benign for NPHP1-related condition. Last evaluated: 2023-04-28. Review status: no assertion criteria provided. Collection method: clinical testing. Allele origin: germline. Not counted in ClinVar's aggregate classification.
Comment: This variant is classified as likely benign based on ACMG/AMP sequence variant interpretation guidelines (Richards et al. 2015 PMID: 25741868, with internal and published modifications).